The following is an entry in ClinVar:

ClinVar aggregate classification (germline): Conflicting classifications of pathogenicity. Review status: criteria provided, conflicting classifications (1 of 4 stars). 5 submissions from 5 submitters: Uncertain significance (4); Likely benign (1). Last evaluated 2025-11-24.

Conditions:
Hereditary cancer-predisposing syndrome. Also called: Hereditary neoplastic syndrome; Neoplastic Syndromes, Hereditary; Hereditary Cancer Syndrome; Tumor predisposition. Identifiers: Orphanet 140162, MedGen C0027672, MeSH D009386, MONDO:0015356.
Neurofibromatosis, type 2 (SWNV). Also called: SCHWANNOMATOSIS, VESTIBULAR; NF2-Related Schwannomatosis; BILATERAL ACOUSTIC NEUROFIBROMATOSIS. Identifiers: Orphanet 637, MedGen C0027832, MONDO:0007039, OMIM 101000. Disease mechanism: loss of function.

Allele frequency attached by ClinVar (database versions not stated): gnomAD exomes 0.00001; TOPMed 0.00001.
gnomAD v4.1: 15 of 1,574,720 alleles (0.00095%); highest among the groups gnomAD compares: East Asian, 0.0047%; no homozygotes.

Submissions (5):

Ambry Genetics
Classification: Uncertain significance for Hereditary cancer-predisposing syndrome. Last evaluated: 2025-11-24. Review status: criteria provided, single submitter. Criteria: Ambry Variant Classification Scheme 2023. Collection method: clinical testing. Allele origin: germline.
Comment: The p.R466Q variant (also known as c.1397G>A), located in coding exon 13 of the NF2 gene, results from a G to A substitution at nucleotide position 1397. The arginine at codon 466 is replaced by glutamine, an amino acid with highly similar properties. This amino acid position is highly conserved in available vertebrate species. In addition, the in silico prediction for this alteration is inconclusive. Since supporting evidence is limited at this time, the clinical significance of this alteration remains unclear.

Color Diagnostics, LLC DBA Color Health
Classification: Uncertain significance for Neurofibromatosis, type 2. Last evaluated: 2025-09-10. Review status: criteria provided, single submitter. Criteria: ACMG Guidelines, 2015. Collection method: clinical testing. Allele origin: germline.
Comment: This missense variant replaces arginine with glutamine at codon 466 of the NF2 protein. Computational prediction is inconclusive regarding the impact of this variant on protein structure and function. To our knowledge, functional studies have not been reported for this variant. This variant has been reported in an individual affected with a pheochromocytoma or paraganglioma (PMID: 34069252). This variant has not been identified in the general population by the Genome Aggregation Database (gnomAD). The available evidence is insufficient to determine the role of this variant in disease conclusively. Therefore, this variant is classified as a Variant of Uncertain Significance.

Labcorp Genetics (formerly Invitae), Labcorp
Classification: Likely benign for Neurofibromatosis, type 2. Last evaluated: 2025-08-24. Review status: criteria provided, single submitter. Criteria: Invitae Variant Classification Sherloc (09022015). Collection method: clinical testing. Allele origin: germline.

CeGaT Center for Human Genetics Tuebingen
Classification: Uncertain significance. Last evaluated: 2023-08-01. Review status: criteria provided, single submitter. Criteria: CeGaT Center For Human Genetics Tuebingen Variant Classification Criteria Version 2. Collection method: clinical testing. Allele origin: germline. Affected: yes. Observed: 1 variant allele.
Comment: NF2: PM2, BP1

Genome-Nilou Lab
Classification: Uncertain significance for Neurofibromatosis, type 2. Last evaluated: 2021-11-07. Review status: criteria provided, single submitter. Criteria: ACMG Guidelines, 2015. Collection method: clinical testing. Allele origin: germline. Affected: no.

Literature cited by the submitters: PubMed 34069252 (cited by Color Diagnostics, LLC DBA Color Health).

NM_000268.4(NF2):c.1397G>A (p.Arg466Gln)

Gene: NF2 (NF2, moesin-ezrin-radixin like (MERLIN) tumor suppressor; plus strand). Cytogenetic location: 22q12.2.
Variant type: single nucleotide variant.
Coding change: c.1397G>A on transcript NM_000268.4 (MANE Select); coding-DNA position 1397, G replaced by A.
Protein change: p.Arg466Gln; replaces arginine 466 with glutamine.
Molecular consequence: missense variant. On other transcripts: non-coding transcript variant (1), intron variant (1).
Genome position (GRCh38, 1-based): chr22:29,674,892, G>A. VCF-style: chr22-29674892-G-A. GRCh37 (hg19) VCF-style: chr22-30070881-G-A.
Other names: c.1397G>A, p.Arg466Gln (NM_016418.5, NM_181825.3, NM_181832.3); c.1271G>A, p.Arg424Gln (NM_181828.3); c.1274G>A, p.Arg425Gln (NM_181829.3); c.1148G>A, p.Arg383Gln (NM_181830.3, NM_181831.3); c.448-19860G>A (NM_181833.3); short protein forms R466Q, R383Q, R425Q, R424Q.
Identifiers: ClinVar variation 457899 (VCV000457899.40), dbSNP rs866689896, ClinGen allele CA323117380.